The following is an entry in ClinVar:

NM_001673.5(ASNS):c.1193A>G (p.Tyr398Cys)

Genes: CZ1P-ASNS (CZ1P-ASNS readthrough; minus strand), ASNS (asparagine synthetase (glutamine-hydrolyzing); minus strand). Cytogenetic location: 7q21.3.
Variant type: single nucleotide variant.
Coding change: c.1193A>G on transcript NM_001673.5 (MANE Select); coding-DNA position 1193, A replaced by G.
Protein change: p.Tyr398Cys; replaces tyrosine 398 with cysteine.
Molecular consequence: missense variant. On other transcripts: non-coding transcript variant (1).
Genome position (GRCh38, 1-based): chr7:97,854,625, T>C on the plus strand (A>G on the coding strand, the complement: ASNS is on the minus strand). VCF-style: chr7-97854625-T-C. GRCh37 (hg19) VCF-style: chr7-97483937-T-C.
Other names: c.1130A>G, p.Tyr377Cys (NM_001178075.2); c.944A>G, p.Tyr315Cys (NM_001178076.2, NM_001178077.1); c.1193A>G, p.Tyr398Cys (NM_001352496.2, NM_133436.3, NM_183356.4); short protein forms Y377C, Y398C, Y315C.
Identifiers: ClinVar variation 800997 (VCV000800997.17), dbSNP rs1166271142, ClinGen allele CA4354570.
Genomic context (GRCh38, chr7:97,854,625, plus strand): 5'-CTCTAAAAATATTACCCATGGGCAGCAGTAGTTCGATCTGCGCGGAGAACATCAAACAAA[T>C]AGAGTTCCCTCAGAAGCCTCTCACTCTCCTCCTCGGCTTTTTCAGGAGAAGGAGCCTATT-3'
Protein context (NP_001664.3, residues 388-408): EESERLLREL[Tyr398Cys]LFDVLRADRT

ClinVar aggregate classification (germline): Pathogenic/Likely pathogenic. Review status: criteria provided, multiple submitters, no conflicts (2 of 4 stars). 7 submissions from 7 submitters: Pathogenic (2); Likely pathogenic (4). 1 of the submissions does not count toward it. Last evaluated 2026-02-23.

Conditions:
Congenital microcephaly - severe encephalopathy - progressive cerebral atrophy syndrome. Also called: Asparagine synthetase deficiency; ASNS DEFICIENCY. Identifiers: Orphanet 391376, MedGen C3809971, MONDO:0014258, OMIM 615574.

Allele frequency attached by ClinVar (database versions not stated): ExAC 0.00001.
gnomAD v4.1: 25 of 1,614,148 alleles (0.0015%); highest among the groups gnomAD compares: Non-Finnish European, 0.002%; no homozygotes.

Submissions (7):

Myriad Genetics, Inc.
Classification: Likely pathogenic for Congenital microcephaly - severe encephalopathy - progressive cerebral atrophy syndrome. Last evaluated: 2026-02-23. Review status: criteria provided, single submitter. Criteria: Myriad Autosomal Dominant, Autosomal Recessive and X-Linked Classification Criteria (2023). Collection method: clinical testing. Allele origin: unknown.
Comment: NM_001673.4(ASNS):c.1193A>G(Y398C) is a missense variant classified as likely pathogenic in the context of asparagine synthetase deficiency. Y398C has been observed in cases with relevant disease (PMID: 25227173, 32741967, 27431290, 38847106). Relevant functional assessments of this variant are not available in the literature. Y398C has been observed in referenced population frequency databases. In summary, NM_001673.4(ASNS):c.1193A>G(Y398C) is a missense variant that has been observed more frequently in cases with the relevant disease than in healthy populations. Please note: this variant was assessed in the context of healthy population screening.

Women's Health and Genetics/Laboratory Corporation of America, LabCorp
Classification: Pathogenic for Congenital microcephaly - severe encephalopathy - progressive cerebral atrophy syndrome. Last evaluated: 2025-03-11. Review status: criteria provided, single submitter. Criteria: LabCorp Variant Classification Summary - May 2015. Collection method: clinical testing. Allele origin: germline.
Comment: Variant summary: ASNS c.1193A>G (p.Tyr398Cys) results in a non-conservative amino acid change in the encoded protein sequence. Four of five in-silico tools predict a damaging effect of the variant on protein function. The variant allele was found at a frequency of 8e-06 in 251420 control chromosomes. c.1193A>G has been reported in the literature in multiple individuals affected with congenital microcephaly (example: Shaheen_2019). These data indicate that the variant is very likely to be associated with disease. To our knowledge, no experimental evidence demonstrating an impact on protein function has been reported. The following publication has been ascertained in the context of this evaluation (PMID: 30214071). ClinVar contains an entry for this variant (Variation ID: 800997). Based on the evidence outlined above, the variant was classified as pathogenic.

Natera, Inc.
Classification: Likely pathogenic for Asparagine synthetase deficiency. Last evaluated: 2024-10-14. Review status: criteria provided, single submitter. Criteria: Natera Variant Classification Schema (03/2026). Collection method: clinical testing. Allele origin: germline.
Comment: The c.1193A>G variant in ASNS is a missense variant predicted to cause substitution of tyrosine to cysteine at amino acid 398. This variant is rare in the general population with a frequency below the threshold expected for the associated phenotype(s). This variant has been observed in one or more individuals affected with the associated recessive disease, as either homozygous or compound heterozygous with a second variant (PMID: 25663424, 32741967). Additionally, this variant has been observed to segregate in affected family members (PMID: 32741967, 25663424). Computational prediction algorithms indicate this variant is likely to affect gene or protein function. Given the available evidence, this variant is classified as Likely Pathogenic.

Labcorp Genetics (formerly Invitae), Labcorp
Classification: Pathogenic. Last evaluated: 2024-08-13. Review status: criteria provided, single submitter. Criteria: Invitae Variant Classification Sherloc (09022015). Collection method: clinical testing. Allele origin: germline.
Comment: This sequence change replaces tyrosine, which is neutral and polar, with cysteine, which is neutral and slightly polar, at codon 398 of the ASNS protein (p.Tyr398Cys). This variant is present in population databases (no rsID available, gnomAD 0.002%). This missense change has been observed in individuals with clinical features of asparagine synthetase deficiency (PMID: 25227173, 25663424, 27422383). It has also been observed to segregate with disease in related individuals. This variant is also known as p.Tyr315Cys and p.Tyr377Cys. ClinVar contains an entry for this variant (Variation ID: 800997). Advanced modeling of protein sequence and biophysical properties (such as structural, functional, and spatial information, amino acid conservation, physicochemical variation, residue mobility, and thermodynamic stability) performed at Invitae indicates that this missense variant is expected to disrupt ASNS protein function with a positive predictive value of 80%. For these reasons, this variant has been classified as Pathogenic.

Revvity Omics, Revvity
Classification: Likely pathogenic for Congenital microcephaly - severe encephalopathy - progressive cerebral atrophy syndrome. Last evaluated: 2021-02-02. Review status: criteria provided, single submitter. Criteria: ACMG Guidelines, 2015. Collection method: clinical testing. Allele origin: germline.

Department of Pediatric Genetics, Istanbul University - Cerrahpasa
Classification: Likely pathogenic for Asparagine synthetase deficiency. Review status: criteria provided, single submitter. Criteria: ACMG Guidelines, 2015. Collection method: clinical testing. Allele origin: germline. Affected: yes.

Biochemical Molecular Genetic Laboratory, King Abdulaziz Medical City
Classification: Uncertain significance for Congenital microcephaly - severe encephalopathy - progressive cerebral atrophy syndrome. Last evaluated: 2019-09-26. Review status: no assertion criteria provided. Collection method: clinical testing. Allele origin: germline. Affected: yes. Not counted in ClinVar's aggregate classification.

Literature cited by the submitters: PubMed 25227173 (cited by Myriad Genetics, Inc. and Labcorp Genetics (formerly Invitae), Labcorp); PubMed 27431290 (cited by Myriad Genetics, Inc.); PubMed 32741967 (cited by Myriad Genetics, Inc. and Natera, Inc.); PubMed 38847106 (cited by Myriad Genetics, Inc.); PubMed 30214071 (cited by Women's Health and Genetics/Laboratory Corporation of America, LabCorp); PubMed 25663424 (cited by Natera, Inc. and Labcorp Genetics (formerly Invitae), Labcorp); PubMed 27422383 (cited by Labcorp Genetics (formerly Invitae), Labcorp).